The following is an entry in ClinVar:

NM_002755.4(MAP2K1):c.292-3C>T

Gene: MAP2K1 (mitogen-activated protein kinase kinase 1; plus strand). Cytogenetic location: 15q22.31.
Variant type: single nucleotide variant.
Coding change: c.292-3C>T on transcript NM_002755.4 (MANE Select); 3 bases into the intron before coding-DNA position 292, C replaced by T.
Molecular consequence: intron variant.
Genome position (GRCh38, 1-based): chr15:66,436,743, C>T. VCF-style: chr15-66436743-C-T. GRCh37 (hg19) VCF-style: chr15-66729081-C-T.
Identifiers: ClinVar variation 216570 (VCV000216570.45), dbSNP rs55694358, ClinGen allele CA338170.
Genomic context (GRCh38, chr15:66,436,743, plus strand): 5'-TATCTTTCATCCCTTCCTCCCTCTTTCTTTCATAAAACCTCTCTTTCTTCCACCTTTCTC[C>T]AGCTAATTCATCTGGAGATCAAACCCGCAATCCGGAACCAGATCATAAGGGAGCTGCAGG-3'

ClinVar aggregate classification (germline): Benign/Likely benign. Review status: criteria provided, multiple submitters, no conflicts (2 of 4 stars). 8 submissions from 8 submitters: Benign (3); Likely benign (4). 1 of the submissions does not count toward it. Last evaluated 2026-03-03.

Conditions:
MAP2K1-related disorder. Also called: MAP2K1-related condition; MAP2K1-related disorders.
Cardiovascular phenotype. Identifiers: MedGen CN230736.
RASopathy. Also called: Noonan spectrum disorder; rasopathies. Identifiers: Orphanet 536391, MedGen C5555857, MONDO:0021060.

Allele frequency attached by ClinVar (database versions not stated): ExAC 0.00007; gnomAD 0.00007; gnomAD exomes 0.00007 and 0.00013; TOPMed 0.00010.
gnomAD v4.1: 114 of 1,613,968 alleles (0.0071%); highest among the groups gnomAD compares: Admixed American, 0.0033%; no homozygotes.

Submissions (8):

Ambry Genetics
Classification: Likely benign for Cardiovascular phenotype. Last evaluated: 2026-03-03. Review status: criteria provided, single submitter. Criteria: Ambry Variant Classification Scheme 2023. Collection method: clinical testing. Allele origin: germline.

Labcorp Genetics (formerly Invitae), Labcorp
Classification: Likely benign for RASopathy. Last evaluated: 2026-01-21. Review status: criteria provided, single submitter. Criteria: Invitae Variant Classification Sherloc (09022015). Collection method: clinical testing. Allele origin: germline.

ARUP Laboratories, Molecular Genetics and Genomics, ARUP Laboratories
Classification: Benign. Last evaluated: 2025-04-28. Review status: criteria provided, single submitter. Criteria: ARUP Molecular Germline Variant Investigation Process 2024. Collection method: clinical testing. Allele origin: germline.

Blueprint Genetics
Classification: Likely benign. Last evaluated: 2024-11-21. Review status: criteria provided, single submitter. Criteria: ACMG Guidelines, 2015. Collection method: clinical testing. Allele origin: germline.

CeGaT Center for Human Genetics Tuebingen
Classification: Likely benign. Last evaluated: 2023-11-01. Review status: criteria provided, single submitter. Criteria: CeGaT Center For Human Genetics Tuebingen Variant Classification Criteria Version 2. Collection method: clinical testing. Allele origin: germline. Affected: yes. Observed: 1 variant allele.
Comment: MAP2K1: BP4, BS2

Women's Health and Genetics/Laboratory Corporation of America, LabCorp
Classification: Benign. Last evaluated: 2021-07-12. Review status: criteria provided, single submitter. Criteria: LabCorp Variant Classification Summary - May 2015. Collection method: clinical testing. Allele origin: germline.
Comment: Variant summary: MAP2K1 c.292-3C>T alters a conserved nucleotide located close to a canonical splice site and therefore could affect mRNA splicing, leading to a significantly altered protein sequence. Several computational tools predict a slight impact on normal splicing: Two predict the variant weakens a 3' acceptor site. However, these predictions have yet to be confirmed by functional studies. The variant allele was found at a frequency of 0.00013 in 251428 control chromosomes. The observed variant frequency is approximately 169.7 fold of the estimated maximal expected allele frequency for a pathogenic variant in MAP2K1 causing Cardiofaciocutaneous Syndrome phenotype (7.5e-07), strongly suggesting that the variant is benign. To our knowledge, no occurrence of c.292-3C>T in individuals affected with Cardiofaciocutaneous Syndrome and no experimental evidence demonstrating its impact on protein function have been reported. Two clinical diagnostic laboratories have submitted clinical-significance assessments for this variant to ClinVar after 2014 without evidence for independent evaluation. All laboratories classified the variant as benign/likely benign. Based on the evidence outlined above, the variant was classified as benign.

Laboratory for Molecular Medicine, Mass General Brigham Personalized Medicine
Classification: Benign. Last evaluated: 2018-04-04. Review status: criteria provided, single submitter. Criteria: LMM Criteria. Collection method: clinical testing. Allele origin: germline. Observed: 1 variant allele.
Comment: c.292-3C>T in intron 2 of MAP2K1: This variant is classified as benign because i t is not located within the splice consensus sequence and it has been identified in 0.28% (28/9848) of Ashkenazi Jewish chromosomes by the Genome Aggregation Da tabase (gnomAD; dbSNP rs55694358). ACMG/AMP Cr iteria applied: BA1; BP4.

PreventionGenetics, part of Exact Sciences
Classification: Likely benign for MAP2K1-related condition. Last evaluated: 2020-07-21. Review status: no assertion criteria provided. Collection method: clinical testing. Allele origin: germline. Not counted in ClinVar's aggregate classification.
Comment: This variant is classified as likely benign based on ACMG/AMP sequence variant interpretation guidelines (Richards et al. 2015 PMID: 25741868, with internal and published modifications).

Literature cited by the submitters: PubMed 28518168 (cited by Ambry Genetics); PubMed 32461654 (cited by Ambry Genetics).